The following is an entry in ClinVar:

ClinVar aggregate classification (germline): Uncertain significance (1 of 4 stars; one submission).

Conditions:
Hereditary cancer-predisposing syndrome. Also called: Tumor predisposition; Neoplastic Syndromes, Hereditary; Hereditary Cancer Syndrome; Hereditary neoplastic syndrome. Identifiers: Orphanet 140162, MedGen C0027672, MeSH D009386, MONDO:0015356.

Submission:

Labcorp Genetics (formerly Invitae), Labcorp
Classification: Uncertain significance for Hereditary cancer-predisposing syndrome. Last evaluated: 2023-02-24. Review status: criteria provided, single submitter. Criteria: Invitae Variant Classification Sherloc (09022015). Collection method: clinical testing. Allele origin: germline.
Comment: In summary, the available evidence is currently insufficient to determine the role of this variant in disease. Therefore, it has been classified as a Variant of Uncertain Significance. Advanced modeling of protein sequence and biophysical properties (such as structural, functional, and spatial information, amino acid conservation, physicochemical variation, residue mobility, and thermodynamic stability) has been performed at Invitae for this missense variant, however the output from this modeling did not meet the statistical confidence thresholds required to predict the impact of this variant on RAD50 protein function. This variant has not been reported in the literature in individuals affected with RAD50-related conditions. This variant is not present in population databases (gnomAD no frequency). This sequence change replaces leucine, which is neutral and non-polar, with phenylalanine, which is neutral and non-polar, at codon 1075 of the RAD50 protein (p.Leu1075Phe).

NM_005732.4(RAD50):c.3225A>C (p.Leu1075Phe)

Gene: RAD50 (RAD50 double strand break repair protein; plus strand). Cytogenetic location: 5q31.1.
Variant type: single nucleotide variant.
Coding change: c.3225A>C on transcript NM_005732.4 (MANE Select); coding-DNA position 3225, A replaced by C.
Protein change: p.Leu1075Phe; replaces leucine 1075 with phenylalanine.
Molecular consequence: missense variant.
Genome position (GRCh38, 1-based): chr5:132,618,130, A>C. VCF-style: chr5-132618130-A-C. GRCh37 (hg19) VCF-style: chr5-131953822-A-C.
Other names: short protein forms L1075F.
Identifiers: ClinVar variation 2840333 (VCV002840333.3), dbSNP rs2479388353, ClinGen allele CA360964397.